The following is an entry in ClinVar:

NM_001369.3(DNAH5):c.2566_2567insTATGCCGTCTTCTGCTTGT (p.Gln856fs)

Genes: DNAH5 (dynein axonemal heavy chain 5; minus strand), DNAH5-AS1 (DNAH5 antisense RNA 1; plus strand). Cytogenetic location: 5p15.2.
Variant type: Insertion.
Coding change: c.2566_2567insTATGCCGTCTTCTGCTTGT on transcript NM_001369.3 (MANE Select); coding-DNA positions 2566 to 2567, TATGCCGTCTTCTGCTTGT inserted.
Protein change: p.Gln856fs; shifts the reading frame from glutamine 856.
Molecular consequence: frameshift variant.
Genome position: GRCh38 VCF-style: chr5-13890986-T-TACAAGCAGAAGACGGCATA. GRCh37 (hg19) VCF-style: chr5-13891095-T-TACAAGCAGAAGACGGCATA.
Other names: short protein forms Q856fs.
Identifiers: ClinVar variation 1725622 (VCV001725622.2), dbSNP rs2547056904, ClinGen allele CA2580072169.

ClinVar aggregate classification (germline): Likely pathogenic (1 of 4 stars; one submission).

Conditions:
Primary ciliary dyskinesia 3. Identifiers: Orphanet 244, MedGen C1837618, MONDO:0012085, OMIM 608644.

Submission:

Myriad Genetics, Inc.
Classification: Likely pathogenic for Primary ciliary dyskinesia 3. Last evaluated: 2021-12-04. Review status: criteria provided, single submitter. Criteria: Myriad Women's Health Autosomal Recessive and X-Linked Classification Criteria (2021). Collection method: clinical testing. Allele origin: unknown.
Comment: NM_001369.2(DNAH5):c.2566_2567ins19(Q856Lfs*23) is expected to be pathogenic in the context of DNAH5-related primary ciliary dyskinesia. This variant is predicted to lead to an abnormal or absent protein product due to the creation of a premature termination codon in DNAH5, a gene where loss-of-function variants are known to be pathogenic. Please note: this variant was assessed in the context of healthy population screening.